The following is an entry in ClinVar:

NM_001009944.3(PKD1):c.9982G>T (p.Val3328Leu)

Gene: PKD1 (polycystin 1, transient receptor potential channel interacting; minus strand). Cytogenetic location: 16p13.3.
Variant type: single nucleotide variant.
Coding change: c.9982G>T on transcript NM_001009944.3 (MANE Select); coding-DNA position 9982, G replaced by T.
Protein change: p.Val3328Leu; replaces valine 3328 with leucine.
Molecular consequence: missense variant.
Genome position (GRCh38, 1-based): chr16:2,099,712, C>A on the plus strand (G>T on the coding strand, the complement: PKD1 is on the minus strand). VCF-style: chr16-2099712-C-A. GRCh37 (hg19) VCF-style: chr16-2149713-C-A.
Other names: c.9982G>T, p.Val3328Leu (NM_000296.4); short protein forms V3328L.
Identifiers: ClinVar variation 3344702 (VCV003344702.1).

ClinVar aggregate classification (germline): Uncertain significance (0 of 4 stars; one submission).

Conditions:
PKD1-related disorder. Also called: PKD1-related condition.

gnomAD v4.1: 13 of 1,586,682 alleles (0.00082%); highest among the groups gnomAD compares: Middle Eastern, 0.023%; no homozygotes.

Submission:

PreventionGenetics, part of Exact Sciences
Classification: Uncertain significance for PKD1-related condition. Last evaluated: 2024-04-12. Review status: no assertion criteria provided. Collection method: clinical testing. Allele origin: germline.
Comment: The PKD1 c.9982G>T variant is predicted to result in the amino acid substitution p.Val3328Leu. To our knowledge, this variant has not been reported in the literature. This variant is reported in 0.0043% of alleles in individuals of South Asian descent in gnomAD. At this time, the clinical significance of this variant is uncertain due to the absence of conclusive functional and genetic evidence.